The following is an entry in ClinVar:

ClinVar aggregate classification (germline): Uncertain significance (1 of 4 stars; one submission).

Conditions:
Neuronal ceroid lipofuscinosis. Also called: Neuronal Ceroid Lipofuscinoses. Identifiers: Orphanet 216, Orphanet 79263, MedGen C0027877, MONDO:0016295. Disease mechanism: loss of function.

Allele frequency attached by ClinVar (database versions not stated): gnomAD exomes 0.00001.

Submission:

Labcorp Genetics (formerly Invitae), Labcorp
Classification: Uncertain significance for Neuronal ceroid lipofuscinosis. Last evaluated: 2022-04-16. Review status: criteria provided, single submitter. Criteria: Invitae Variant Classification Sherloc (09022015). Collection method: clinical testing. Allele origin: germline.
Comment: This sequence change replaces aspartic acid, which is acidic and polar, with glycine, which is neutral and non-polar, at codon 221 of the CLN5 protein (p.Asp221Gly). This variant is not present in population databases (gnomAD no frequency). This variant has not been reported in the literature in individuals affected with CLN5-related conditions. Algorithms developed to predict the effect of missense changes on protein structure and function (SIFT, PolyPhen-2, Align-GVGD) all suggest that this variant is likely to be disruptive. In summary, the available evidence is currently insufficient to determine the role of this variant in disease. Therefore, it has been classified as a Variant of Uncertain Significance.

NM_006493.4(CLN5):c.515A>G (p.Asp172Gly)

Gene: CLN5 (CLN5 lysosomal BMP synthase; plus strand). Cytogenetic location: 13q22.3.
Variant type: single nucleotide variant.
Coding change: c.515A>G on transcript NM_006493.4 (MANE Select); coding-DNA position 515, A replaced by G.
Protein change: p.Asp172Gly; replaces aspartic acid 172 with glycine.
Molecular consequence: missense variant.
Genome position (GRCh38, 1-based): chr13:76,996,077, A>G. VCF-style: chr13-76996077-A-G. GRCh37 (hg19) VCF-style: chr13-77570212-A-G.
Other names: c.515A>G, p.Asp172Gly (NM_001366624.2); short protein forms D172G, D221G.
Identifiers: ClinVar variation 2126637 (VCV002126637.1), dbSNP rs2501140605, ClinGen allele CA388309484.